The following is an entry in ClinVar:

ClinVar aggregate classification (germline): Conflicting classifications of pathogenicity. Review status: criteria provided, conflicting classifications (1 of 4 stars). 4 submissions from 4 submitters: Uncertain significance (3); Likely benign (1). Last evaluated 2026-01-04.

Conditions:
Myofibrillar myopathy 5. Also called: Filaminopathy (type); FILAMINOPATHY, AUTOSOMAL DOMINANT. Identifiers: Orphanet 171445, MedGen C1836050, MONDO:0012289, OMIM 609524.
Hypertrophic cardiomyopathy 26. Also called: Cardiomyopathy, familial hypertrophic, 26. Identifiers: Orphanet 75249, MedGen C4310749, MONDO:0014883, OMIM 617047.
Distal myopathy with posterior leg and anterior hand involvement. Also called: WILLIAMS DISTAL MYOPATHY. Identifiers: Orphanet 63273, MedGen C3279722, MONDO:0013550, OMIM 614065.
Cardiovascular phenotype. Identifiers: MedGen CN230736.

Allele frequency attached by ClinVar (database versions not stated): TOPMed 0.00001; gnomAD exomes 0.00002; gnomAD 0.00005; ExAC 0.00006; 1000 Genomes Project 30x 0.00016.
gnomAD v4.1: 54 of 1,540,088 alleles (0.0035%); highest among the groups gnomAD compares: African/African-American, 0.0082%; no homozygotes.

Submissions (4):

Labcorp Genetics (formerly Invitae), Labcorp
Classification: Likely benign for Distal myopathy with posterior leg and anterior hand involvement; Myofibrillar myopathy 5; Hypertrophic cardiomyopathy 26. Last evaluated: 2026-01-04. Review status: criteria provided, single submitter. Criteria: Invitae Variant Classification Sherloc (09022015). Collection method: clinical testing. Allele origin: germline.

Ambry Genetics
Classification: Uncertain significance for Cardiovascular phenotype. Last evaluated: 2024-06-23. Review status: criteria provided, single submitter. Criteria: Ambry Variant Classification Scheme 2023. Collection method: clinical testing. Allele origin: germline.
Comment: The p.R1762H variant (also known as c.5285G>A), located in coding exon 31 of the FLNC gene, results from a G to A substitution at nucleotide position 5285. The arginine at codon 1762 is replaced by histidine, an amino acid with highly similar properties. This amino acid position is poorly conserved in available vertebrate species. In addition, this alteration is predicted to be tolerated by in silico analysis. Since supporting evidence is limited at this time, the clinical significance of this alteration remains unclear.

Blueprint Genetics
Classification: Uncertain significance. Last evaluated: 2023-11-15. Review status: criteria provided, single submitter. Criteria: ACMG Guidelines, 2015. Collection method: clinical testing. Allele origin: germline.

Revvity Omics, Revvity
Classification: Uncertain significance. Last evaluated: 2022-04-01. Review status: criteria provided, single submitter. Criteria: ACMG Guidelines, 2015. Collection method: clinical testing. Allele origin: germline.

NM_001458.5(FLNC):c.5285G>A (p.Arg1762His)

Gene: FLNC (filamin C; plus strand). Cytogenetic location: 7q32.1.
Variant type: single nucleotide variant.
Coding change: c.5285G>A on transcript NM_001458.5 (MANE Select); coding-DNA position 5285, G replaced by A.
Protein change: p.Arg1762His; replaces arginine 1762 with histidine.
Molecular consequence: missense variant. On other transcripts: intron variant (1).
Genome position (GRCh38, 1-based): chr7:128,850,061, G>A. VCF-style: chr7-128850061-G-A. GRCh37 (hg19) VCF-style: chr7-128490115-G-A.
Other names: c.5200-323G>A (NM_001127487.2); short protein forms R1762H.
Identifiers: ClinVar variation 576634 (VCV000576634.16), dbSNP rs779856224, ClinGen allele CA4475629.